The following is an entry in ClinVar:

NM_014727.3(KMT2B):c.3869G>T (p.Arg1290Leu)

Gene: KMT2B (lysine methyltransferase 2B; plus strand). Cytogenetic location: 19q13.12.
Variant type: single nucleotide variant.
Coding change: c.3869G>T on transcript NM_014727.3 (MANE Select); coding-DNA position 3869, G replaced by T.
Protein change: p.Arg1290Leu; replaces arginine 1290 with leucine.
Molecular consequence: missense variant.
Genome position (GRCh38, 1-based): chr19:35,725,802, G>T. VCF-style: chr19-35725802-G-T. GRCh37 (hg19) VCF-style: chr19-36216703-G-T.
Other names: short protein forms R1290L.
Identifiers: ClinVar variation 4975206 (VCV004975206.1).

ClinVar aggregate classification (germline): Uncertain significance (1 of 4 stars; one submission).

gnomAD v4.1: 1 of 1,581,256 alleles (0.000063%); highest among the groups gnomAD compares: African/African-American, 0.0013%; no homozygotes.

Submission:

GeneDx
Classification: Uncertain significance. Last evaluated: 2026-03-20. Review status: criteria provided, single submitter. Criteria: GeneDx Variant Classification Process June 2021. Collection method: clinical testing. Allele origin: germline.
Comment: Not observed at significant frequency in large population cohorts (gnomAD); In silico analysis supports that this missense variant has a deleterious effect on protein structure/function; Has not been previously published as pathogenic or benign to our knowledge